The following is an entry in ClinVar:

NM_002016.2(FLG):c.754G>A (p.Glu252Lys)

Genes: CCDST (cervical cancer associated DHX9 suppressive transcript; plus strand), FLG (filaggrin; minus strand). Cytogenetic location: 1q21.3.
Variant type: single nucleotide variant.
Coding change: c.754G>A on transcript NM_002016.2 (MANE Select); coding-DNA position 754, G replaced by A.
Protein change: p.Glu252Lys; replaces glutamic acid 252 with lysine.
Molecular consequence: missense variant.
Genome position (GRCh38, 1-based): chr1:152,314,132, C>T on the plus strand (G>A on the coding strand, the complement: FLG is on the minus strand). VCF-style: chr1-152314132-C-T. GRCh37 (hg19) VCF-style: chr1-152286608-C-T.
Other names: c.754G>A (NM_002016.1); short protein forms E252K.
Identifiers: ClinVar variation 806216 (VCV000806216.44), dbSNP rs147854910, ClinGen allele CA1107919.

ClinVar aggregate classification (germline): Conflicting classifications of pathogenicity. Review status: criteria provided, conflicting classifications (1 of 4 stars). 2 submissions from 2 submitters: Uncertain significance (1); Likely benign (1). Last evaluated 2026-07-01.

Conditions:
Inborn genetic diseases. Identifiers: MedGen C0950123, MeSH D030342.

Allele frequency attached by ClinVar (database versions not stated): TOPMed 0.00002; ExAC 0.00005; ESP Exome Variant Server 0.00008; 1000 Genomes Project 30x 0.00016; gnomAD 0.00019; 1000 Genomes Project 0.00020.
gnomAD v4.1: 80 of 1,614,136 alleles (0.005%); highest among the groups gnomAD compares: Admixed American, 0.068%; no homozygotes.

Submissions (2):

CeGaT Center for Human Genetics Tuebingen
Classification: Likely benign. Last evaluated: 2026-07-01. Review status: criteria provided, single submitter. Criteria: CeGaT Center For Human Genetics Tuebingen Variant Classification Criteria Version 2. Collection method: clinical testing. Allele origin: germline. Affected: yes. Observed: 2 variant alleles.
Comment: FLG: BP4

Ambry Genetics
Classification: Uncertain significance for Inborn genetic diseases. Last evaluated: 2021-12-03. Review status: criteria provided, single submitter. Criteria: Ambry Variant Classification Scheme 2023. Collection method: clinical testing. Allele origin: germline.